The following is an entry in ClinVar:

NM_000051.4(ATM):c.3292del (p.Gln1098fs)

Gene: ATM (ATM serine/threonine kinase; plus strand). Cytogenetic location: 11q22.3.
Variant type: Deletion.
Coding change: c.3292del on transcript NM_000051.4 (MANE Select); coding-DNA position 3292, one base deleted (C; older notation c.3292delC).
Protein change: p.Gln1098fs; shifts the reading frame from glutamine 1098.
Molecular consequence: frameshift variant.
Genome position (GRCh38, 1-based): chr11:108,279,498, C deleted; the last of 2 consecutive C bases (chr11:108,279,497-108,279,498); deleting either gives the same sequence. VCF-style (leftmost placement, unchanged base first): chr11-108279496-TC-T. GRCh37 (hg19) VCF-style: chr11-108150223-TC-T.
Other names: c.3292del, p.Gln1098fs (NM_001351834.2); c.3292delC (NM_000051.3); short protein forms Q1098fs.
Identifiers: ClinVar variation 555811 (VCV000555811.16), dbSNP rs1555090075, ClinGen allele CA658823323.

ClinVar aggregate classification (germline): Pathogenic. Review status: criteria provided, multiple submitters, no conflicts (2 of 4 stars). 5 submissions from 5 submitters: Pathogenic (4). 1 of the submissions does not count toward it. Last evaluated 2025-12-11.

Conditions:
Hereditary cancer-predisposing syndrome. Also called: Tumor predisposition; Neoplastic Syndromes, Hereditary; Hereditary Cancer Syndrome; Hereditary neoplastic syndrome. Identifiers: Orphanet 140162, MedGen C0027672, MeSH D009386, MONDO:0015356.
Familial cancer of breast. Also called: Hereditary breast cancer; BREAST CANCER, FAMILIAL; hereditary breast carcinoma. Identifiers: Orphanet 227535, MedGen C0346153, MONDO:0016419, OMIM 114480. Disease mechanism: loss of function.
Ataxia-telangiectasia syndrome (AT). Also called: Ataxia telangiectasia (A-T); ATAXIA-TELANGIECTASIA, COMPLEMENTATION GROUP A; ATAXIA-TELANGIECTASIA, FRESNO VARIANT; Ataxia-telangiectasia; LOUIS-BAR SYNDROME; Cerebello-oculocutaneous telangiectasia. Identifiers: Orphanet 100, MedGen C0004135, MONDO:0008840, OMIM 208900.

Submissions (5):

Ambry Genetics
Classification: Pathogenic for Hereditary cancer-predisposing syndrome. Last evaluated: 2025-12-11. Review status: criteria provided, single submitter. Criteria: Ambry Variant Classification Scheme 2023. Collection method: clinical testing. Allele origin: germline.
Comment: The c.3292delC pathogenic mutation, located in coding exon 22 of the ATM gene, results from a deletion of one nucleotide at nucleotide position 3292, causing a translational frameshift with a predicted alternate stop codon (p.Q1098Rfs*11). This variant has been identified in the homozygous state and/or in conjunction with other ATM variant(s) in individual(s) with features consistent with ataxia telangiectasia; in at least one instance, the variants were identified in trans (Piane M et al. J. Neurol. Sci. 2016 Dec;371:48-53). Note, this variant is also referred to as c.3291delC in the literature. This variant is considered to be rare based on population cohorts in the Genome Aggregation Database (gnomAD). This alteration is expected to result in loss of function by premature protein truncation or nonsense-mediated mRNA decay. As such, this alteration is interpreted as a disease-causing mutation.

Labcorp Genetics (formerly Invitae), Labcorp
Classification: Pathogenic for Ataxia-telangiectasia syndrome. Last evaluated: 2024-03-06. Review status: criteria provided, single submitter. Criteria: Invitae Variant Classification Sherloc (09022015). Collection method: clinical testing. Allele origin: germline.
Comment: This sequence change creates a premature translational stop signal (p.Gln1098Argfs*11) in the ATM gene. It is expected to result in an absent or disrupted protein product. Loss-of-function variants in ATM are known to be pathogenic (PMID: 23807571, 25614872). This variant is not present in population databases (gnomAD no frequency). This premature translational stop signal has been observed in individual(s) with ataxia telangiectasia (PMID: 27871447). This variant is also known as c.3291delC. ClinVar contains an entry for this variant (Variation ID: 555811). For these reasons, this variant has been classified as Pathogenic.

Myriad Genetics, Inc.
Classification: Pathogenic for Familial cancer of breast. Last evaluated: 2024-01-19. Review status: criteria provided, single submitter. Criteria: Myriad Autosomal Dominant, Autosomal Recessive and X-Linked Classification Criteria (2023). Collection method: clinical testing. Allele origin: unknown.
Comment: This variant is considered pathogenic. This variant creates a frameshift predicted to result in premature protein truncation.

Baylor Genetics
Classification: Pathogenic for Familial cancer of breast. Last evaluated: 2023-09-25. Review status: criteria provided, single submitter. Criteria: ACMG Guidelines, 2015. Collection method: clinical testing. Allele origin: unknown.

Counsyl
Classification: Likely pathogenic for Ataxia-telangiectasia syndrome. Last evaluated: 2017-12-28. Review status: no assertion criteria provided. Collection method: clinical testing. Allele origin: unknown. Not counted in ClinVar's aggregate classification.

Literature cited by the submitters: PubMed 27871447 (cited by 3 submitters); PubMed 23807571 (cited by Labcorp Genetics (formerly Invitae), Labcorp); PubMed 25614872 (cited by Labcorp Genetics (formerly Invitae), Labcorp).